The following is an entry in ClinVar:

ClinVar aggregate classification (germline): Uncertain significance (1 of 4 stars; one submission).

Submission:

Labcorp Genetics (formerly Invitae), Labcorp
Classification: Uncertain significance. Last evaluated: 2024-05-23. Review status: criteria provided, single submitter. Criteria: Invitae Variant Classification Sherloc (09022015). Collection method: clinical testing. Allele origin: germline.
Comment: This sequence change replaces threonine, which is neutral and polar, with isoleucine, which is neutral and non-polar, at codon 240 of the TGFBI protein (p.Thr240Ile). This variant is present in population databases (rs534794507, gnomAD 0.006%). This variant has not been reported in the literature in individuals affected with TGFBI-related conditions. Advanced modeling of protein sequence and biophysical properties (such as structural, functional, and spatial information, amino acid conservation, physicochemical variation, residue mobility, and thermodynamic stability) performed at Invitae indicates that this missense variant is not expected to disrupt TGFBI protein function with a negative predictive value of 80%. In summary, the available evidence is currently insufficient to determine the role of this variant in disease. Therefore, it has been classified as a Variant of Uncertain Significance.

NM_000358.3(TGFBI):c.719C>T (p.Thr240Ile)

Gene: TGFBI (transforming growth factor beta induced; plus strand). Cytogenetic location: 5q31.1.
Variant type: single nucleotide variant.
Coding change: c.719C>T on transcript NM_000358.3 (MANE Select); coding-DNA position 719, C replaced by T.
Protein change: p.Thr240Ile; replaces threonine 240 with isoleucine.
Molecular consequence: missense variant.
Genome position (GRCh38, 1-based): chr5:136,047,368, C>T. VCF-style: chr5-136047368-C-T. GRCh37 (hg19) VCF-style: chr5-135383057-C-T.
Other names: short protein forms T240I.
Identifiers: ClinVar variation 3708046 (VCV003708046.2).
Genomic context (GRCh38, chr5:136,047,368, plus strand): 5'-CCGACCACCATGCAACCAACGGGGTGGTGCACCTCATCGATAAGGTCATCTCCACCATCA[C>T]CAACAACATCCAGCAGATCATTGAGATCGAGGACACCTTTGAGACCCTTCGGGTAAGGGA-3'
Protein context (NP_000349.1, residues 230-250): HLIDKVISTI[Thr240Ile]NNIQQIIEIE